The following is an entry in ClinVar:

NM_001330260.2(SCN8A):c.1919A>G (p.Asn640Ser)

Gene: SCN8A (sodium voltage-gated channel alpha subunit 8; plus strand). Cytogenetic location: 12q13.13.
Variant type: single nucleotide variant.
Coding change: c.1919A>G on transcript NM_001330260.2 (MANE Select); coding-DNA position 1919, A replaced by G.
Protein change: p.Asn640Ser; replaces asparagine 640 with serine.
Molecular consequence: missense variant.
Genome position (GRCh38, 1-based): chr12:51,721,829, A>G. VCF-style: chr12-51721829-A-G. GRCh37 (hg19) VCF-style: chr12-52115613-A-G.
Other names: c.1919A>G, p.Asn640Ser (NM_001177984.3, NM_001369788.1, NM_014191.4); short protein forms N640S.
Identifiers: ClinVar variation 3719547 (VCV003719547.2).

ClinVar aggregate classification (germline): Uncertain significance (1 of 4 stars; one submission).

Conditions:
Early-infantile DEE. Also called: Ohtahara syndrome; Early infantile epileptic encephalopathy with suppression bursts; Early infantile epileptic encephalopathy. Identifiers: Orphanet 1934, MedGen C0393706, MONDO:0800491.

gnomAD v4.1: 1 of 1,606,370 alleles (0.000062%); highest among the groups gnomAD compares: Admixed American, 0.0017%; no homozygotes.

Submission:

Labcorp Genetics (formerly Invitae), Labcorp
Classification: Uncertain significance for Early-infantile DEE. Last evaluated: 2024-03-19. Review status: criteria provided, single submitter. Criteria: Invitae Variant Classification Sherloc (09022015). Collection method: clinical testing. Allele origin: germline.
Comment: This sequence change replaces asparagine, which is neutral and polar, with serine, which is neutral and polar, at codon 640 of the SCN8A protein (p.Asn640Ser). This variant is present in population databases (no rsID available, gnomAD 0.003%). This variant has not been reported in the literature in individuals affected with SCN8A-related conditions. Advanced modeling of protein sequence and biophysical properties (such as structural, functional, and spatial information, amino acid conservation, physicochemical variation, residue mobility, and thermodynamic stability) performed at Invitae indicates that this missense variant is not expected to disrupt SCN8A protein function with a negative predictive value of 95%. In summary, the available evidence is currently insufficient to determine the role of this variant in disease. Therefore, it has been classified as a Variant of Uncertain Significance.